The following is an entry in ClinVar:

ClinVar aggregate classification (germline): Uncertain significance. Review status: criteria provided, multiple submitters, no conflicts (2 of 4 stars). 3 submissions from 3 submitters: Uncertain significance (3). Last evaluated 2025-02-13.

Allele frequency attached by ClinVar (database versions not stated): gnomAD exomes below 0.00001; gnomAD 0.00001; TOPMed 0.00002.
gnomAD v4.1: 2 of 1,608,984 alleles (0.00012%); highest among the groups gnomAD compares: African/African-American, 0.0013%; no homozygotes.

Submissions (3):

Ambry Genetics
Classification: Uncertain significance. Last evaluated: 2025-02-13. Review status: criteria provided, single submitter. Criteria: Ambry Variant Classification Scheme 2023. Collection method: clinical testing. Allele origin: germline.

Blueprint Genetics
Classification: Uncertain significance. Last evaluated: 2022-10-07. Review status: criteria provided, single submitter. Criteria: ACMG Guidelines, 2015. Collection method: clinical testing. Allele origin: germline.

Labcorp Genetics (formerly Invitae), Labcorp
Classification: Uncertain significance. Last evaluated: 2021-08-13. Review status: criteria provided, single submitter. Criteria: Invitae Variant Classification Sherloc (09022015). Collection method: clinical testing. Allele origin: germline.
Comment: This sequence change replaces methionine with threonine at codon 88 of the IDH3A protein (p.Met88Thr). The methionine residue is highly conserved and there is a moderate physicochemical difference between methionine and threonine. This variant is not present in population databases (ExAC no frequency). This missense change has been observed in individual(s) with clinical features of IDH3A-related conditions (Invitae). Algorithms developed to predict the effect of missense changes on protein structure and function (SIFT, PolyPhen-2, Align-GVGD) all suggest that this variant is likely to be disruptive. In summary, the available evidence is currently insufficient to determine the role of this variant in disease. Therefore, it has been classified as a Variant of Uncertain Significance.

NM_005530.3(IDH3A):c.263T>C (p.Met88Thr)

Gene: IDH3A (isocitrate dehydrogenase (NAD(+)) 3 catalytic subunit alpha; plus strand). Cytogenetic location: 15q25.1.
Variant type: single nucleotide variant.
Coding change: c.263T>C on transcript NM_005530.3 (MANE Select); coding-DNA position 263, T replaced by C.
Protein change: p.Met88Thr; replaces methionine 88 with threonine.
Molecular consequence: missense variant.
Genome position (GRCh38, 1-based): chr15:78,160,180, T>C. VCF-style: chr15-78160180-T-C. GRCh37 (hg19) VCF-style: chr15-78452522-T-C.
Other names: short protein forms M88T.
Identifiers: ClinVar variation 834284 (VCV000834284.9), dbSNP rs1338121896, ClinGen allele CA393541662.